The following is an entry in ClinVar:

NM_002661.5(PLCG2):c.3151A>T (p.Met1051Leu)

Gene: PLCG2 (phospholipase C gamma 2; plus strand). Cytogenetic location: 16q23.3.
Variant type: single nucleotide variant.
Coding change: c.3151A>T on transcript NM_002661.5 (MANE Select); coding-DNA position 3151, A replaced by T.
Protein change: p.Met1051Leu; replaces methionine 1051 with leucine.
Molecular consequence: missense variant.
Genome position (GRCh38, 1-based): chr16:81,937,856, A>T. VCF-style: chr16-81937856-A-T. GRCh37 (hg19) VCF-style: chr16-81971461-A-T.
Other names: short protein forms M1051L.
Identifiers: ClinVar variation 1420458 (VCV001420458.6), dbSNP rs771587263, ClinGen allele CA8194579.
Genomic context (GRCh38, chr16:81,937,856, plus strand): 5'-AATGGGCGCACGGGCTACGTTCTGCAGCCTGAGAGCATGAGGACAGAGAAATATGACCCG[A>T]TGCCACCCGAGTCCCAGAGGAAGATCCTGATGACGCTGACAGTCAAGGTAAAGCCAGCCC-3'
Protein context (NP_002652.2, residues 1041-1061): ESMRTEKYDP[Met1051Leu]PPESQRKILM

ClinVar aggregate classification (germline): Uncertain significance (1 of 4 stars; one submission).

Conditions:
Familial cold autoinflammatory syndrome 3 (FCAS3). Also called: FAMILIAL ATYPICAL COLD URTICARIA; ANTIBODY DEFICIENCY AND IMMUNE DYSREGULATION, PLCG2-ASSOCIATED. Identifiers: Orphanet 300359, MedGen C3280914, MONDO:0013766, OMIM 614468.

Allele frequency attached by ClinVar (database versions not stated): gnomAD exomes 0.00001; ExAC 0.00002.

Submission:

Labcorp Genetics (formerly Invitae), Labcorp
Classification: Uncertain significance for Familial cold autoinflammatory syndrome 3. Last evaluated: 2025-09-07. Review status: criteria provided, single submitter. Criteria: Invitae Variant Classification Sherloc (09022015). Collection method: clinical testing. Allele origin: germline.
Comment: This sequence change replaces methionine, which is neutral and non-polar, with leucine, which is neutral and non-polar, at codon 1051 of the PLCG2 protein (p.Met1051Leu). This variant is present in population databases (rs771587263, gnomAD 0.01%). This variant has not been reported in the literature in individuals affected with PLCG2-related conditions. ClinVar contains an entry for this variant (Variation ID: 1420458). An algorithm developed to predict the effect of missense changes on protein structure and function outputs the following: PolyPhen-2: "Benign". The leucine amino acid residue is found in multiple mammalian species, which suggests that this missense change does not adversely affect protein function. In summary, the available evidence is currently insufficient to determine the role of this variant in disease. Therefore, it has been classified as a Variant of Uncertain Significance.